The following is an entry in ClinVar:

NM_001690.4(ATP6V1A):c.183G>A (p.Met61Ile)

Gene: ATP6V1A (ATPase H+ transporting V1 subunit A; plus strand). Cytogenetic location: 3q13.31.
Variant type: single nucleotide variant.
Coding change: c.183G>A on transcript NM_001690.4 (MANE Select); coding-DNA position 183, G replaced by A.
Protein change: p.Met61Ile; replaces methionine 61 with isoleucine.
Molecular consequence: missense variant.
Genome position (GRCh38, 1-based): chr3:113,781,150, G>A. VCF-style: chr3-113781150-G-A. GRCh37 (hg19) VCF-style: chr3-113499997-G-A.
Other names: c.183G>A (NM_001690.3); short protein forms M61I.
Identifiers: ClinVar variation 1928655 (VCV001928655.6), dbSNP rs1218012061, ClinGen allele CA354005280.

ClinVar aggregate classification (germline): Uncertain significance. Review status: criteria provided, multiple submitters, no conflicts (2 of 4 stars). 2 submissions from 2 submitters: Uncertain significance (2). Last evaluated 2026-01-19.

Conditions:
Inborn genetic diseases. Identifiers: MedGen C0950123, MeSH D030342.

Allele frequency attached by ClinVar (database versions not stated): gnomAD exomes 0.00001; gnomAD 0.00005; TOPMed 0.00005.
gnomAD v4.1: 18 of 1,613,380 alleles (0.0011%); highest among the groups gnomAD compares: African/African-American, 0.0053%; no homozygotes.

Submissions (2):

Labcorp Genetics (formerly Invitae), Labcorp
Classification: Uncertain significance. Last evaluated: 2026-01-19. Review status: criteria provided, single submitter. Criteria: Invitae Variant Classification Sherloc (09022015). Collection method: clinical testing. Allele origin: germline.
Comment: This sequence change replaces methionine, which is neutral and non-polar, with isoleucine, which is neutral and non-polar, at codon 61 of the ATP6V1A protein (p.Met61Ile). This variant is present in population databases (no rsID available, gnomAD 0.02%). This variant has not been reported in the literature in individuals affected with ATP6V1A-related conditions. ClinVar contains an entry for this variant (Variation ID: 1928655). Invitae Evidence Modeling of protein sequence and biophysical properties (such as structural, functional, and spatial information, amino acid conservation, physicochemical variation, residue mobility, and thermodynamic stability) indicates that this missense variant is not expected to disrupt ATP6V1A protein function with a negative predictive value of 80%. In summary, the available evidence is currently insufficient to determine the role of this variant in disease. Therefore, it has been classified as a Variant of Uncertain Significance.

Ambry Genetics
Classification: Uncertain significance for Inborn genetic diseases. Last evaluated: 2024-03-11. Review status: criteria provided, single submitter. Criteria: Ambry Variant Classification Scheme 2023. Collection method: clinical testing. Allele origin: germline.